The following is an entry in ClinVar:

NM_016111.4(TELO2):c.194G>C (p.Cys65Ser)

Gene: TELO2 (telomere maintenance 2; plus strand). Cytogenetic location: 16p13.3.
Variant type: single nucleotide variant.
Coding change: c.194G>C on transcript NM_016111.4 (MANE Select); coding-DNA position 194, G replaced by C.
Protein change: p.Cys65Ser; replaces cysteine 65 with serine.
Molecular consequence: missense variant.
Genome position (GRCh38, 1-based): chr16:1,494,475, G>C. VCF-style: chr16-1494475-G-C. GRCh37 (hg19) VCF-style: chr16-1544476-G-C.
Other names: c.194G>C, p.Cys65Ser (NM_001351846.2); short protein forms C65S.
Identifiers: ClinVar variation 392873 (VCV000392873.8), dbSNP rs141008024, ClinGen allele CA7811564.

ClinVar aggregate classification (germline): Conflicting classifications of pathogenicity. Review status: criteria provided, conflicting classifications (1 of 4 stars). 4 submissions from 4 submitters: Uncertain significance (3); Likely benign (1). Last evaluated 2025-09-11.

Conditions:
Inborn genetic diseases. Identifiers: MedGen C0950123, MeSH D030342.
TELO2-related intellectual disability-neurodevelopmental disorder. Also called: You-Hoover-Fong syndrome. Identifiers: Orphanet 488642, MedGen C4310778, MONDO:0014848, OMIM 616954.

Allele frequency attached by ClinVar (database versions not stated): ExAC 0.00002; gnomAD exomes 0.00003 and 0.00007; gnomAD 0.00004 and 0.00003; TOPMed 0.00007; ESP Exome Variant Server 0.00008.

Submissions (4):

GeneDx
Classification: Uncertain significance. Last evaluated: 2025-09-11. Review status: criteria provided, single submitter. Criteria: GeneDx Variant Classification Process June 2021. Collection method: clinical testing. Allele origin: germline. Affected: yes.
Comment: In silico analysis suggests that this missense variant does not alter protein structure/function; Has not been previously published as pathogenic or benign to our knowledge

Ambry Genetics
Classification: Uncertain significance for Inborn genetic diseases. Last evaluated: 2025-01-23. Review status: criteria provided, single submitter. Criteria: Ambry Variant Classification Scheme 2023. Collection method: clinical testing. Allele origin: germline.

3billion
Classification: Likely benign for TELO2-related intellectual disability-neurodevelopmental disorder. Last evaluated: 2024-09-20. Review status: criteria provided, single submitter. Criteria: ACMG Guidelines, 2015. Collection method: clinical testing. Allele origin: germline. Affected: no.
Comment: The homozygous variant was found in patients diagnosed with another variant in a different gene, with no symptoms related to the gene containing the homozygous variant.

Labcorp Genetics (formerly Invitae), Labcorp
Classification: Uncertain significance. Last evaluated: 2021-11-25. Review status: criteria provided, single submitter. Criteria: Invitae Variant Classification Sherloc (09022015). Collection method: clinical testing. Allele origin: germline.
Comment: This sequence change replaces cysteine, which is neutral and slightly polar, with serine, which is neutral and polar, at codon 65 of the TELO2 protein (p.Cys65Ser). This variant is present in population databases (rs141008024, gnomAD 0.02%). This variant has not been reported in the literature in individuals affected with TELO2-related conditions. ClinVar contains an entry for this variant (Variation ID: 392873). Algorithms developed to predict the effect of missense changes on protein structure and function output the following: SIFT: "Tolerated"; PolyPhen-2: "Benign"; Align-GVGD: "Class C0". The serine amino acid residue is found in multiple mammalian species, which suggests that this missense change does not adversely affect protein function. In summary, the available evidence is currently insufficient to determine the role of this variant in disease. Therefore, it has been classified as a Variant of Uncertain Significance.